The following is an entry in ClinVar:

NM_000014.6(A2M):c.3485A>G (p.Lys1162Arg)

Genes: A2M (alpha-2-macroglobulin; minus strand), KLRG1 (killer cell lectin like receptor G1; plus strand). Cytogenetic location: 12p13.31.
Variant type: single nucleotide variant.
Coding change: c.3485A>G on transcript NM_000014.6 (MANE Select); coding-DNA position 3485, A replaced by G.
Protein change: p.Lys1162Arg; replaces lysine 1162 with arginine.
Molecular consequence: missense variant.
Genome position (GRCh38, 1-based): chr12:9,076,803, T>C on the plus strand (A>G on the coding strand, the complement: A2M is on the minus strand). VCF-style: chr12-9076803-T-C. GRCh37 (hg19) VCF-style: chr12-9229399-T-C.
Other names: c.3485A>G, p.Lys1162Arg (NM_001347423.2); c.3185A>G, p.Lys1062Arg (NM_001347424.2); c.3035A>G, p.Lys1012Arg (NM_001347425.2); c.3485A>G (NM_000014.4); short protein forms K1012R, K1062R, K1162R.
Identifiers: ClinVar variation 3046130 (VCV003046130.3), dbSNP rs61730087, ClinGen allele CA6438108.

ClinVar aggregate classification (germline): Uncertain significance. Review status: criteria provided, single submitter (1 of 4 stars). 2 submissions from 2 submitters: Uncertain significance (1). 1 of the submissions does not count toward it. Last evaluated 2025-09-05.

Conditions:
A2M-related disorder. Also called: A2M-related condition.

Allele frequency attached by ClinVar (database versions not stated): gnomAD exomes 0.00007; ExAC 0.00022; ESP Exome Variant Server 0.00062; gnomAD 0.00088; 1000 Genomes Project 30x 0.00094; TOPMed 0.00095; 1000 Genomes Project 0.00120.
gnomAD v4.1: 240 of 1,613,994 alleles (0.015%); highest among the groups gnomAD compares: African/African-American, 0.29%; 3 homozygotes.

Submissions (2):

Ambry Genetics
Classification: Uncertain significance. Last evaluated: 2025-09-05. Review status: criteria provided, single submitter. Criteria: Ambry Variant Classification Scheme 2023. Collection method: clinical testing. Allele origin: germline.

PreventionGenetics, part of Exact Sciences
Classification: Likely benign for A2M-related condition. Last evaluated: 2019-10-08. Review status: no assertion criteria provided. Collection method: clinical testing. Allele origin: germline. Not counted in ClinVar's aggregate classification.
Comment: This variant is classified as likely benign based on ACMG/AMP sequence variant interpretation guidelines (Richards et al. 2015 PMID: 25741868, with internal and published modifications).